The following is an entry in ClinVar:

NM_015102.5(NPHP4):c.1663C>G (p.Gln555Glu)

Gene: NPHP4 (nephrocystin 4; minus strand). Cytogenetic location: 1p36.31.
Variant type: single nucleotide variant.
Coding change: c.1663C>G on transcript NM_015102.5 (MANE Select); coding-DNA position 1663, C replaced by G.
Protein change: p.Gln555Glu; replaces glutamine 555 with glutamic acid.
Molecular consequence: missense variant. On other transcripts: non-coding transcript variant (1).
Genome position (GRCh38, 1-based): chr1:5,905,732, G>C on the plus strand (C>G on the coding strand, the complement: NPHP4 is on the minus strand). VCF-style: chr1-5905732-G-C. GRCh37 (hg19) VCF-style: chr1-5965792-G-C.
Other names: c.124C>G, p.Gln42Glu (NM_001291593.2); c.127C>G, p.Gln43Glu (NM_001291594.2); c.1663C>G (NM_015102.3); short protein forms Q42E, Q43E, Q555E.
Identifiers: ClinVar variation 840593 (VCV000840593.11), dbSNP rs1369972493, ClinGen allele CA338055446.

ClinVar aggregate classification (germline): Uncertain significance. Review status: criteria provided, multiple submitters, no conflicts (2 of 4 stars). 2 submissions from 2 submitters: Uncertain significance (2). Last evaluated 2023-06-06.

Conditions:
Nephronophthisis. Also called: Juvenile Nephronophthisis. Identifiers: Orphanet 655, MedGen C0687120, MONDO:0019005, HP:0000090.
Inborn genetic diseases. Identifiers: MedGen C0950123, MeSH D030342.

Allele frequency attached by ClinVar (database versions not stated): gnomAD exomes below 0.00001; TOPMed 0.00001.
gnomAD v4.1: 2 of 1,613,100 alleles (0.00012%); highest among the groups gnomAD compares: Non-Finnish European, 0.000085%; no homozygotes.

Submissions (2):

Ambry Genetics
Classification: Uncertain significance for Inborn genetic diseases. Last evaluated: 2023-06-06. Review status: criteria provided, single submitter. Criteria: Ambry Variant Classification Scheme 2023. Collection method: clinical testing. Allele origin: germline.

Labcorp Genetics (formerly Invitae), Labcorp
Classification: Uncertain significance for Nephronophthisis. Last evaluated: 2022-06-13. Review status: criteria provided, single submitter. Criteria: Invitae Variant Classification Sherloc (09022015). Collection method: clinical testing. Allele origin: germline.
Comment: This sequence change replaces glutamine, which is neutral and polar, with glutamic acid, which is acidic and polar, at codon 555 of the NPHP4 protein (p.Gln555Glu). This variant is not present in population databases (gnomAD no frequency). This variant has not been reported in the literature in individuals affected with NPHP4-related conditions. ClinVar contains an entry for this variant (Variation ID: 840593). Algorithms developed to predict the effect of missense changes on protein structure and function (SIFT, PolyPhen-2, Align-GVGD) all suggest that this variant is likely to be tolerated. In summary, the available evidence is currently insufficient to determine the role of this variant in disease. Therefore, it has been classified as a Variant of Uncertain Significance.